The following is an entry in ClinVar:

ClinVar aggregate classification (germline): Pathogenic (1 of 4 stars; one submission).

Conditions:
Seizures, benign familial neonatal, 1. Also called: KCNQ2-Related Self-Limited Familial Neonatal Epilepsy (SLFNE); Benign Neonatal Epilepsy 1; Seizures, benign neonatal, 1; KCNQ2-Related Benign Familial Neonatal Epilepsy. Identifiers: Orphanet 1949, MedGen C3149074, MONDO:0007365, OMIM 121200.

Submission:

Foundation for Research in Genetics and Endocrinology, FRIGE's Institute of Human Genetics
Classification: Pathogenic for Seizures, benign familial neonatal, 1. Last evaluated: 2020-02-11. Review status: criteria provided, single submitter. Criteria: ACMG Guidelines, 2015. Collection method: clinical testing. Allele origin: germline. Inheritance: Autosomal dominant inheritance. Affected: yes. Observed: 1 heterozygote.
Comment: A heterozygous nonsense variation in exon 8 of the KCNQ2 gene that results in stop codon and premature truncation of protein at codon 360 was detected. The observed variant c.1080G>A (p.Trp360Ter) has not been reported in the 1000 Genomes and ExAC databases. The in silico prediction of the variant is damaging by MutationTaster2. The reference codon is conserved across species. In summary, the variant meets our criteria to be classified as pathogenic.

NM_172107.4(KCNQ2):c.1080G>A (p.Trp360Ter)

Gene: KCNQ2 (potassium voltage-gated channel subfamily Q member 2; minus strand). Cytogenetic location: 20q13.33.
Variant type: single nucleotide variant.
Coding change: c.1080G>A on transcript NM_172107.4 (MANE Select); coding-DNA position 1080, G replaced by A.
Protein change: p.Trp360Ter; replaces tryptophan 360 with a stop codon.
Molecular consequence: nonsense.
Genome position (GRCh38, 1-based): chr20:63,433,847, C>T on the plus strand (G>A on the coding strand, the complement: KCNQ2 is on the minus strand). VCF-style: chr20-63433847-C-T. GRCh37 (hg19) VCF-style: chr20-62065200-C-T.
Other names: c.1080G>A, p.Trp360Ter (NM_004518.6, NM_172106.3, NM_172108.5 and 1 more transcripts); short protein forms W360*.
Identifiers: ClinVar variation 818228 (VCV000818228.3), dbSNP rs1600732174, ClinGen allele CA409651123.